The following is an entry in ClinVar:

ClinVar aggregate classification (germline): Uncertain significance (1 of 4 stars; one submission).

Allele frequency attached by ClinVar (database versions not stated): gnomAD exomes below 0.00001; TOPMed below 0.00001; ExAC 0.00001.
gnomAD v4.1: 7 of 1,585,458 alleles (0.00044%); highest among the groups gnomAD compares: Non-Finnish European, 0.00051%; no homozygotes.

Submission:

Labcorp Genetics (formerly Invitae), Labcorp
Classification: Uncertain significance. Last evaluated: 2023-08-24. Review status: criteria provided, single submitter. Criteria: Invitae Variant Classification Sherloc (09022015). Collection method: clinical testing. Allele origin: germline.
Comment: This sequence change replaces glycine, which is neutral and non-polar, with glutamic acid, which is acidic and polar, at codon 805 of the KANK1 protein (p.Gly805Glu). This variant is present in population databases (rs746945732, gnomAD 0.001%). This variant has not been reported in the literature in individuals affected with KANK1-related conditions. Advanced modeling of protein sequence and biophysical properties (such as structural, functional, and spatial information, amino acid conservation, physicochemical variation, residue mobility, and thermodynamic stability) performed at Invitae indicates that this missense variant is not expected to disrupt KANK1 protein function. In summary, the available evidence is currently insufficient to determine the role of this variant in disease. Therefore, it has been classified as a Variant of Uncertain Significance.

NM_015158.5(KANK1):c.2414G>A (p.Gly805Glu)

Gene: KANK1 (KN motif and ankyrin repeat domains 1; plus strand). Cytogenetic location: 9p24.3.
Variant type: single nucleotide variant.
Coding change: c.2414G>A on transcript NM_015158.5 (MANE Select); coding-DNA position 2414, G replaced by A.
Protein change: p.Gly805Glu; replaces glycine 805 with glutamic acid.
Molecular consequence: missense variant. On other transcripts: non-coding transcript variant (1).
Genome position (GRCh38, 1-based): chr9:713,180, G>A. VCF-style: chr9-713180-G-A. GRCh37 (hg19) VCF-style: chr9-713180-G-A.
Other names: c.2414G>A, p.Gly805Glu (NM_001256876.3, NM_001256877.3, NM_001354331.2 and 2 more transcripts); c.1940G>A, p.Gly647Glu (NM_001354333.2, NM_001354335.2, NM_001354336.2 and 9 more transcripts); short protein forms G647E, G805E.
Identifiers: ClinVar variation 2793155 (VCV002793155.3), dbSNP rs746945732, ClinGen allele CA4960505.